The following is an entry in ClinVar:

ClinVar aggregate classification (germline): Uncertain significance (1 of 4 stars; one submission).

Submission:

Ambry Genetics
Classification: Uncertain significance. Last evaluated: 2025-08-22. Review status: criteria provided, single submitter. Criteria: Ambry Variant Classification Scheme 2023. Collection method: clinical testing. Allele origin: germline.
Comment: The p.E1166K variant (also known as c.3496G>A), located in coding exon 2 of the TET2 gene, results from a G to A substitution at nucleotide position 3496. The glutamic acid at codon 1166 is replaced by lysine, an amino acid with similar properties. This amino acid position is conserved. In addition, this alteration is predicted to be tolerated by in silico analysis. Based on the available evidence, the clinical significance of this variant remains unclear.

NM_001127208.3(TET2):c.3496G>A (p.Glu1166Lys)

Genes: TET2 (tet methylcytosine dioxygenase 2; plus strand), TET2-AS1 (TET2 antisense RNA 1; minus strand). Cytogenetic location: 4q24.
Variant type: single nucleotide variant.
Coding change: c.3496G>A on transcript NM_001127208.3 (MANE Select); coding-DNA position 3496, G replaced by A.
Protein change: p.Glu1166Lys; replaces glutamic acid 1166 with lysine.
Molecular consequence: missense variant. On other transcripts: 3 prime UTR variant (1).
Genome position (GRCh38, 1-based): chr4:105,241,425, G>A. VCF-style: chr4-105241425-G-A. GRCh37 (hg19) VCF-style: chr4-106162582-G-A.
Other names: c.*3985G>A (NM_017628.4); short protein forms E1166K.
Identifiers: ClinVar variation 4183026 (VCV004183026.1).